The following is an entry in ClinVar:

ClinVar aggregate classification (germline): Uncertain significance (1 of 4 stars; one submission).

Conditions:
Myopathy, proximal, and ophthalmoplegia (CMYO6). Also called: INCLUSION BODY MYOPATHY 3, AUTOSOMAL DOMINANT; CONGENITAL MYOPATHY 6 WITH OPHTHALMOPLEGIA; MYOPATHY WITH CONGENITAL JOINT CONTRACTURES, OPHTHALMOPLEGIA, AND RIMMED VACUOLES. Identifiers: Orphanet 363677, Orphanet 79091, MedGen C1854106, MONDO:0011577, OMIM 605637.

gnomAD v4.1: 2 of 1,614,206 alleles (0.00012%); highest among the groups gnomAD compares: Non-Finnish European, 0.00017%; no homozygotes.

Submission:

Labcorp Genetics (formerly Invitae), Labcorp
Classification: Uncertain significance for Myopathy, proximal, and ophthalmoplegia. Last evaluated: 2025-10-24. Review status: criteria provided, single submitter. Criteria: Invitae Variant Classification Sherloc (09022015). Collection method: clinical testing. Allele origin: germline.
Comment: This sequence change replaces proline, which is neutral and non-polar, with leucine, which is neutral and non-polar, at codon 228 of the MYH2 protein (p.Pro228Leu). This variant is present in population databases (no rsID available, gnomAD 0.0009%). This variant has not been reported in the literature in individuals affected with MYH2-related conditions. Invitae Evidence Modeling of protein sequence and biophysical properties (such as structural, functional, and spatial information, amino acid conservation, physicochemical variation, residue mobility, and thermodynamic stability) indicates that this missense variant is expected to disrupt MYH2 protein function with a positive predictive value of 80%. In summary, the available evidence is currently insufficient to determine the role of this variant in disease. Therefore, it has been classified as a Variant of Uncertain Significance.

NM_017534.6(MYH2):c.683C>T (p.Pro228Leu)

Genes: MYHAS (myosin heavy chain gene cluster antisense RNA; plus strand), MYH2 (myosin heavy chain 2; minus strand), LOC126862501 (CDK7 strongly-dependent group 2 enhancer GRCh37_chr17:10446256-10447455; plus strand). Cytogenetic location: 17p13.1.
Variant type: single nucleotide variant.
Coding change: c.683C>T on transcript NM_017534.6 (MANE Select); coding-DNA position 683, C replaced by T.
Protein change: p.Pro228Leu; replaces proline 228 with leucine.
Molecular consequence: missense variant.
Genome position (GRCh38, 1-based): chr17:10,543,769, G>A on the plus strand (C>T on the coding strand, the complement: MYH2 is on the minus strand). VCF-style: chr17-10543769-G-A. GRCh37 (hg19) VCF-style: chr17-10447086-G-A.
Other names: c.683C>T, p.Pro228Leu (NM_001100112.2); short protein forms P228L.
Identifiers: ClinVar variation 4743987 (VCV004743987.1).
Genomic context (GRCh38, chr17:10,543,769, plus strand): 5'-ACAAAGCGAGAGGAGTTGTCATTCCTCACGGTCTTGGCGTTGCCAAAGGCCTCCAGTAGG[G>A]GGTTGGCACTGATGATTTGATCTTCCAGAGTCCCCTGCAAAGGCAAGAGCAGTCCTTGCA-3'
Protein context (NP_060004.3, residues 218-238): TLEDQIISAN[Pro228Leu]LLEAFGNAKT